The following is an entry in ClinVar:

ClinVar aggregate classification (germline): Likely benign. Review status: criteria provided, single submitter (1 of 4 stars). 2 submissions from 2 submitters: Likely benign (1). 1 of the submissions does not count toward it. Last evaluated 2025-06-10.

Conditions:
ECHS1-related disorder. Also called: ECHS1-related condition.

Allele frequency attached by ClinVar (database versions not stated): gnomAD exomes 0.00005 and 0.00007; gnomAD 0.00007 and 0.00008; TOPMed 0.00008; ExAC 0.00010; ESP Exome Variant Server 0.00015.

Submissions (2):

Labcorp Genetics (formerly Invitae), Labcorp
Classification: Likely benign. Last evaluated: 2025-06-10. Review status: criteria provided, single submitter. Criteria: Invitae Variant Classification Sherloc (09022015). Collection method: clinical testing. Allele origin: germline.

PreventionGenetics, part of Exact Sciences
Classification: Likely benign for ECHS1-related condition. Last evaluated: 2020-01-07. Review status: no assertion criteria provided. Collection method: clinical testing. Allele origin: germline. Not counted in ClinVar's aggregate classification.
Comment: This variant is classified as likely benign based on ACMG/AMP sequence variant interpretation guidelines (Richards et al. 2015 PMID: 25741868, with internal and published modifications).

NM_004092.4(ECHS1):c.834G>A (p.Ala278=)

Gene: ECHS1 (enoyl-CoA hydratase, short chain 1; minus strand). Cytogenetic location: 10q26.3.
Variant type: single nucleotide variant.
Coding change: c.834G>A on transcript NM_004092.4 (MANE Select); coding-DNA position 834, G replaced by A.
Protein change: p.Ala278=; no amino-acid change (alanine 278 retained).
Molecular consequence: synonymous variant.
Genome position (GRCh38, 1-based): chr10:133,362,907, C>T on the plus strand (G>A on the coding strand, the complement: ECHS1 is on the minus strand). VCF-style: chr10-133362907-C-T. GRCh37 (hg19) VCF-style: chr10-135176411-C-T.
Other names: c.834G>A (NM_004092.3).
Identifiers: ClinVar variation 1585966 (VCV001585966.10), dbSNP rs145541090, ClinGen allele CA5765619.